The following is an entry in ClinVar:

NM_004260.4(RECQL4):c.1006A>C (p.Thr336Pro)

Gene: RECQL4 (RecQ like helicase 4; minus strand). Cytogenetic location: 8q24.3.
Variant type: single nucleotide variant.
Coding change: c.1006A>C on transcript NM_004260.4 (MANE Select); coding-DNA position 1006, A replaced by C.
Protein change: p.Thr336Pro; replaces threonine 336 with proline.
Molecular consequence: missense variant.
Genome position (GRCh38, 1-based): chr8:144,516,113, T>G on the plus strand (A>C on the coding strand, the complement: RECQL4 is on the minus strand). VCF-style: chr8-144516113-T-G. GRCh37 (hg19) VCF-style: chr8-145741497-T-G.
Other names: short protein forms T336P.
Identifiers: ClinVar variation 1484120 (VCV001484120.6), dbSNP rs2130718095, ClinGen allele CA372688347.

ClinVar aggregate classification (germline): Uncertain significance (1 of 4 stars; one submission).

Conditions:
Baller-Gerold syndrome (BGS). Also called: CRANIOSYNOSTOSIS WITH RADIAL DEFECTS. Identifiers: Orphanet 1225, MedGen C0265308, MONDO:0009039, OMIM 218600.

Submission:

Labcorp Genetics (formerly Invitae), Labcorp
Classification: Uncertain significance for Baller-Gerold syndrome. Last evaluated: 2021-02-25. Review status: criteria provided, single submitter. Criteria: Invitae Variant Classification Sherloc (09022015). Collection method: clinical testing. Allele origin: germline.
Comment: This sequence change replaces threonine with proline at codon 336 of the RECQL4 protein (p.Thr336Pro). The threonine residue is weakly conserved and there is a small physicochemical difference between threonine and proline. This variant is not present in population databases (ExAC no frequency). This variant has not been reported in the literature in individuals with RECQL4-related conditions. Experimental studies and prediction algorithms are not available or were not evaluated, and the functional significance of this variant is currently unknown. In summary, the available evidence is currently insufficient to determine the role of this variant in disease. Therefore, it has been classified as a Variant of Uncertain Significance.